The following is an entry in ClinVar:

NM_033026.6(PCLO):c.6065C>T (p.Ser2022Phe)

Gene: PCLO (piccolo presynaptic cytomatrix protein; minus strand). Cytogenetic location: 7q21.11.
Variant type: single nucleotide variant.
Coding change: c.6065C>T on transcript NM_033026.6 (MANE Select); coding-DNA position 6065, C replaced by T.
Protein change: p.Ser2022Phe; replaces serine 2022 with phenylalanine.
Molecular consequence: missense variant.
Genome position (GRCh38, 1-based): chr7:82,954,888, G>A on the plus strand (C>T on the coding strand, the complement: PCLO is on the minus strand). VCF-style: chr7-82954888-G-A. GRCh37 (hg19) VCF-style: chr7-82584204-G-A.
Other names: c.6065C>T, p.Ser2022Phe (NM_014510.3); short protein forms S2022F.
Identifiers: ClinVar variation 1505293 (VCV001505293.4), dbSNP rs199643798, ClinGen allele CA4320542.

ClinVar aggregate classification (germline): Uncertain significance (1 of 4 stars; one submission).

Allele frequency attached by ClinVar (database versions not stated): TOPMed 0.00005; gnomAD 0.00006 and 0.00009; ExAC 0.00007; 1000 Genomes Project 30x 0.00031; 1000 Genomes Project 0.00040.
gnomAD v4.1: 182 of 1,613,844 alleles (0.011%); highest among the groups gnomAD compares: East Asian, 0.21%; no homozygotes.

Submission:

Labcorp Genetics (formerly Invitae), Labcorp
Classification: Uncertain significance. Last evaluated: 2023-07-07. Review status: criteria provided, single submitter. Criteria: Invitae Variant Classification Sherloc (09022015). Collection method: clinical testing. Allele origin: germline.
Comment: In summary, the available evidence is currently insufficient to determine the role of this variant in disease. Therefore, it has been classified as a Variant of Uncertain Significance. Experimental studies and prediction algorithms are not available or were not evaluated, and the functional significance of this variant is currently unknown. ClinVar contains an entry for this variant (Variation ID: 1505293). This variant has not been reported in the literature in individuals affected with PCLO-related conditions. This variant is present in population databases (rs199643798, gnomAD 0.03%). This sequence change replaces serine, which is neutral and polar, with phenylalanine, which is neutral and non-polar, at codon 2022 of the PCLO protein (p.Ser2022Phe).